The following is an entry in ClinVar:

NM_182916.3(TRNT1):c.781C>A (p.Leu261Ile)

Gene: TRNT1 (tRNA nucleotidyl transferase 1; plus strand). Cytogenetic location: 3p26.2.
Variant type: single nucleotide variant.
Coding change: c.781C>A on transcript NM_182916.3 (MANE Select); coding-DNA position 781, C replaced by A.
Protein change: p.Leu261Ile; replaces leucine 261 with isoleucine.
Molecular consequence: missense variant. On other transcripts: non-coding transcript variant (6), intron variant (1).
Genome position (GRCh38, 1-based): chr3:3,146,602, C>A. VCF-style: chr3-3146602-C-A. GRCh37 (hg19) VCF-style: chr3-3188286-C-A.
Other names: c.781C>A, p.Leu261Ile (NM_001367321.1, NM_001367322.1, NM_001367323.1); c.742+39C>A (NM_001302946.2); short protein forms L261I.
Identifiers: ClinVar variation 968468 (VCV000968468.6), dbSNP rs116700675, ClinGen allele CA2228777.

ClinVar aggregate classification (germline): Conflicting classifications of pathogenicity. Review status: criteria provided, conflicting classifications (1 of 4 stars). 2 submissions from 2 submitters: Uncertain significance (1); Likely benign (1). Last evaluated 2025-09-24.

Conditions:
Congenital sideroblastic anemia-B-cell immunodeficiency-periodic fever-developmental delay syndrome. Also called: Sideroblastic anemia with B-cell immunodeficiency, periodic fevers, and developmental delay. Identifiers: Orphanet 369861, MedGen C4015172, MONDO:0014487, OMIM 616084.
Inborn genetic diseases. Identifiers: MedGen C0950123, MeSH D030342.

Allele frequency attached by ClinVar (database versions not stated): gnomAD 0.00001; TOPMed 0.00005; 1000 Genomes Project 30x 0.00016.
gnomAD v4.1: 26 of 1,612,046 alleles (0.0016%); highest among the groups gnomAD compares: Admixed American, 0.04%; no homozygotes.

Submissions (2):

Ambry Genetics
Classification: Likely benign for Inborn genetic diseases. Last evaluated: 2025-09-24. Review status: criteria provided, single submitter. Criteria: Ambry Variant Classification Scheme 2023. Collection method: clinical testing. Allele origin: germline.

Labcorp Genetics (formerly Invitae), Labcorp
Classification: Uncertain significance for Congenital sideroblastic anemia-B-cell immunodeficiency-periodic fever-developmental delay syndrome. Last evaluated: 2023-10-13. Review status: criteria provided, single submitter. Criteria: Invitae Variant Classification Sherloc (09022015). Collection method: clinical testing. Allele origin: germline.
Comment: This sequence change replaces leucine, which is neutral and non-polar, with isoleucine, which is neutral and non-polar, at codon 261 of the TRNT1 protein (p.Leu261Ile). This variant is present in population databases (rs116700675, gnomAD 0.06%). This variant has not been reported in the literature in individuals affected with TRNT1-related conditions. ClinVar contains an entry for this variant (Variation ID: 968468). Advanced modeling of protein sequence and biophysical properties (such as structural, functional, and spatial information, amino acid conservation, physicochemical variation, residue mobility, and thermodynamic stability) has been performed at Invitae for this missense variant, however the output from this modeling did not meet the statistical confidence thresholds required to predict the impact of this variant on TRNT1 protein function. In summary, the available evidence is currently insufficient to determine the role of this variant in disease. Therefore, it has been classified as a Variant of Uncertain Significance.